The following is an entry in ClinVar:

NM_198578.4(LRRK2):c.4786T>C (p.Tyr1596His)

Gene: LRRK2 (leucine rich repeat kinase 2; plus strand). Cytogenetic location: 12q12.
Variant type: single nucleotide variant.
Coding change: c.4786T>C on transcript NM_198578.4 (MANE Select); coding-DNA position 4786, T replaced by C.
Protein change: p.Tyr1596His; replaces tyrosine 1596 with histidine.
Molecular consequence: missense variant.
Genome position (GRCh38, 1-based): chr12:40,315,259, T>C. VCF-style: chr12-40315259-T-C. GRCh37 (hg19) VCF-style: chr12-40709061-T-C.
Other names: short protein forms Y1596H.
Identifiers: ClinVar variation 2453094 (VCV002453094.2), dbSNP rs2499853013, ClinGen allele CA384419279.

ClinVar aggregate classification (germline): Uncertain significance (1 of 4 stars; one submission).

Conditions:
Inborn genetic diseases. Identifiers: MedGen C0950123, MeSH D030342.

Submission:

Ambry Genetics
Classification: Uncertain significance for Inborn genetic diseases. Last evaluated: 2023-01-26. Review status: criteria provided, single submitter. Criteria: Ambry Variant Classification Scheme 2023. Collection method: clinical testing. Allele origin: germline.
Comment: The p.Y1596H variant (also known as c.4786T>C), located in coding exon 33 of the LRRK2 gene, results from a T to C substitution at nucleotide position 4786. The tyrosine at codon 1596 is replaced by histidine, an amino acid with similar properties. This amino acid position is conserved. In addition, the in silico prediction for this alteration is inconclusive. Since supporting evidence is limited at this time, the clinical significance of this alteration remains unclear.